The following is an entry in ClinVar:

NM_012082.4(ZFPM2):c.3218A>T (p.His1073Leu)

Genes: ZFPM2 (zinc finger protein, FOG family member 2; plus strand), ZFPM2-AS1 (ZFPM2 antisense RNA 1; minus strand), LOC126860469 (BRD4-independent group 4 enhancer GRCh37_chr8:106814445-106815644; plus strand). Cytogenetic location: 8q23.1.
Variant type: single nucleotide variant.
Coding change: c.3218A>T on transcript NM_012082.4 (MANE Select); coding-DNA position 3218, A replaced by T.
Protein change: p.His1073Leu; replaces histidine 1073 with leucine.
Molecular consequence: missense variant.
Genome position (GRCh38, 1-based): chr8:105,803,300, A>T. VCF-style: chr8-105803300-A-T. GRCh37 (hg19) VCF-style: chr8-106815528-A-T.
Other names: c.3059A>T, p.His1020Leu (NM_001362836.2); c.2822A>T, p.His941Leu (NM_001362837.2); c.3218A>T (NM_012082.3); short protein forms H1020L, H941L, H1073L.
Identifiers: ClinVar variation 2717178 (VCV002717178.4), dbSNP rs372775117, ClinGen allele CA4840039.

ClinVar aggregate classification (germline): Uncertain significance. Review status: criteria provided, multiple submitters, no conflicts (2 of 4 stars). 2 submissions from 2 submitters: Uncertain significance (2). Last evaluated 2025-04-03.

Conditions:
46,XY sex reversal 9 (SRXY9). Also called: 46,XY SEX REVERSAL, ZFPM2-RELATED. Identifiers: Orphanet 251510, MedGen C4015129, MONDO:0014480, OMIM 616067.
Inborn genetic diseases. Identifiers: MedGen C0950123, MeSH D030342.

Allele frequency attached by ClinVar (database versions not stated): ExAC 0.00001; gnomAD 0.00001; gnomAD exomes 0.00001; TOPMed 0.00001; ESP Exome Variant Server 0.00008.
gnomAD v4.1: 10 of 1,595,188 alleles (0.00063%); highest among the groups gnomAD compares: Admixed American, 0.0086%; no homozygotes.

Submissions (2):

Ambry Genetics
Classification: Uncertain significance for Inborn genetic diseases. Last evaluated: 2025-04-03. Review status: criteria provided, single submitter. Criteria: Ambry Variant Classification Scheme 2023. Collection method: clinical testing. Allele origin: germline.

Labcorp Genetics (formerly Invitae), Labcorp
Classification: Uncertain significance for 46,XY sex reversal 9. Last evaluated: 2024-02-20. Review status: criteria provided, single submitter. Criteria: Invitae Variant Classification Sherloc (09022015). Collection method: clinical testing. Allele origin: germline.
Comment: This sequence change replaces histidine, which is basic and polar, with leucine, which is neutral and non-polar, at codon 1073 of the ZFPM2 protein (p.His1073Leu). This variant is present in population databases (rs372775117, gnomAD 0.009%). This variant has not been reported in the literature in individuals affected with ZFPM2-related conditions. An algorithm developed to predict the effect of missense changes on protein structure and function (PolyPhen-2) suggests that this variant is likely to be tolerated. In summary, the available evidence is currently insufficient to determine the role of this variant in disease. Therefore, it has been classified as a Variant of Uncertain Significance.